The following is an entry in ClinVar:

NM_000234.3(LIG1):c.2257G>A (p.Val753Met)

Gene: LIG1 (DNA ligase 1; minus strand). Cytogenetic location: 19q13.33.
Variant type: single nucleotide variant.
Coding change: c.2257G>A on transcript NM_000234.3 (MANE Select); coding-DNA position 2257, G replaced by A.
Protein change: p.Val753Met; replaces valine 753 with methionine.
Molecular consequence: missense variant. On other transcripts: non-coding transcript variant (6).
Genome position (GRCh38, 1-based): chr19:48,121,298, C>T on the plus strand (G>A on the coding strand, the complement: LIG1 is on the minus strand). VCF-style: chr19-48121298-C-T. GRCh37 (hg19) VCF-style: chr19-48624555-C-T.
Other names: c.2164G>A, p.Val722Met (NM_001289063.2); c.2053G>A, p.Val685Met (NM_001289064.2); c.2254G>A, p.Val752Met (NM_001320970.2); c.2167G>A, p.Val723Met (NM_001320971.2); short protein forms V722M, V723M, V752M, V685M, V753M.
Identifiers: ClinVar variation 773085 (VCV000773085.36), dbSNP rs146309259, ClinGen allele CA9546474.
Genomic context (GRCh38, chr19:48,121,298, plus strand): 5'-CGGCCCGCTTCCCCCGGCCCAGGTAGGCGCCGATCACCACCAGGTCCAGGGTGTCACCCA[C>T]GCCATCAAGGTAGTCCTTCTTCAGCTGGGAGAAGGGGAGGCAAGAGATGAGAAGGGGGAG-3'
Protein context (NP_000225.1, residues 743-763): LKLKKDYLDG[Val753Met]GDTLDLVVIG

ClinVar aggregate classification (germline): Benign/Likely benign. Review status: criteria provided, multiple submitters, no conflicts (2 of 4 stars). 4 submissions from 4 submitters: Benign (2); Likely benign (1). 1 of the submissions does not count toward it. Last evaluated 2026-09-01.

Conditions:
LIG1-related disorder. Also called: LIG1-related condition.

Allele frequency attached by ClinVar (database versions not stated): 1000 Genomes Project 0.00519; gnomAD 0.00586 and 0.00627; gnomAD exomes 0.00653; TOPMed 0.00677; ExAC 0.00719; ESP Exome Variant Server 0.00454; 1000 Genomes Project 30x 0.00515.
gnomAD v4.1: 11,920 of 1,608,944 alleles (0.74%); highest among the groups gnomAD compares: Middle Eastern, 2.9%; 70 homozygotes.

Submissions (4):

CeGaT Center for Human Genetics Tuebingen
Classification: Likely benign. Last evaluated: 2026-09-01. Review status: criteria provided, single submitter. Criteria: CeGaT Center For Human Genetics Tuebingen Variant Classification Criteria Version 2. Collection method: clinical testing. Allele origin: germline. Affected: yes. Observed: 5 variant alleles.
Comment: LIG1: BS2

Labcorp Genetics (formerly Invitae), Labcorp
Classification: Benign. Last evaluated: 2026-02-02. Review status: criteria provided, single submitter. Criteria: Invitae Variant Classification Sherloc (09022015). Collection method: clinical testing. Allele origin: germline.

Breakthrough Genomics
Classification: Benign. Review status: criteria provided, single submitter. Criteria: ACMG Guidelines, 2015. Collection method: not provided. Allele origin: germline. Inheritance: Autosomal recessive inheritance. Affected: yes.

PreventionGenetics, part of Exact Sciences
Classification: Benign for LIG1-related condition. Last evaluated: 2022-10-17. Review status: no assertion criteria provided. Collection method: clinical testing. Allele origin: germline. Not counted in ClinVar's aggregate classification.
Comment: This variant is classified as benign based on ACMG/AMP sequence variant interpretation guidelines (Richards et al. 2015 PMID: 25741868, with internal and published modifications).